The following is an entry in ClinVar:

NM_005430.4(WNT1):c.1060_1061delinsG (p.His354fs)

Gene: WNT1 (Wnt family member 1; plus strand). Cytogenetic location: 12q13.12.
Variant type: Indel.
Coding change: c.1060_1061delinsG on transcript NM_005430.4 (MANE Select); coding-DNA positions 1060 to 1061, CA replaced by G.
Protein change: p.His354fs; shifts the reading frame from histidine 354.
Molecular consequence: frameshift variant.
Genome position (GRCh38, 1-based): chr12:48,981,587-48,981,588, CA replaced by G. VCF-style: chr12-48981587-CA-G. GRCh37 (hg19) VCF-style: chr12-49375370-CA-G.
Other names: short protein forms H354fs.
Identifiers: ClinVar variation 524168 (VCV000524168.2), dbSNP rs1555179156, ClinGen allele CA658797896.

ClinVar aggregate classification (germline): Uncertain significance (1 of 4 stars; one submission).

Submission:

GeneDx
Classification: Uncertain significance. Last evaluated: 2018-05-14. Review status: criteria provided, single submitter. Criteria: GeneDx Variant Classification (06012015). Collection method: clinical testing. Allele origin: germline. Affected: yes.
Comment: The c.1060_1061delCAinsG variant in the WNT1 gene has not been reported previously as a pathogenic variant nor as a benign variant, to our knowledge. The c.1060_1061delCAinsG variant causes a frameshift starting with codon Histidine 354, changes this amino acid to an Alanine residue, and creates a premature Stop codon at position 39 of the new reading frame, denoted p.His354AlafsX39. This variant is predicted to replace the last 17 amino acids of the protein with 38 incorrect amino acids. The c.1060_1061delCAinsG variant is not observed in large population cohorts (Lek et al., 2016). We interpret c.1060_1061delCAinsG as a variant of uncertain significance.